The following is an entry in ClinVar:

NM_000384.3(APOB):c.12088-17T>C

Gene: APOB (apolipoprotein B; minus strand). Cytogenetic location: 2p24.1.
Variant type: single nucleotide variant.
Coding change: c.12088-17T>C on transcript NM_000384.3 (MANE Select); 17 bases into the intron before coding-DNA position 12088, T replaced by C.
Molecular consequence: intron variant.
Genome position (GRCh38, 1-based): chr2:21,003,351, A>G on the plus strand (T>C on the coding strand, the complement: APOB is on the minus strand). VCF-style: chr2-21003351-A-G. GRCh37 (hg19) VCF-style: chr2-21226223-A-G.
Identifiers: ClinVar variation 668244 (VCV000668244.4), dbSNP rs767133075, ClinGen allele CA049049.

ClinVar aggregate classification (germline): Likely benign. Review status: criteria provided, multiple submitters, no conflicts (2 of 4 stars). 2 submissions from 2 submitters: Likely benign (2). Last evaluated 2024-12-31.

Conditions:
Familial hypobetalipoproteinemia 1. Also called: Hypobetalipoproteinemia, normotriglyceridemic; Acanthocytosis with hypobetalipoproteinemia; APOB-Related Familial Hypobetalipoproteinemia. Identifiers: MedGen C4551990, MONDO:0014252, OMIM 615558.
Hypercholesterolemia, autosomal dominant, type B (FHCL2). Also called: Familial Hypercholesterolemia Type B; APOLIPOPROTEIN B-100, FAMILIAL DEFECTIVE; APOLIPOPROTEIN B-100, FAMILIAL LIGAND-DEFECTIVE; HYPERCHOLESTEROLEMIA, FAMILIAL, DUE TO LIGAND-DEFECTIVE APOLIPOPROTEIN B; Familial hypercholesterolemia 2; APOB-Related Familial Hypercholesterolemia, Autosomal Dominant. Identifiers: MedGen C1704417, MONDO:0007751, OMIM 144010.

Allele frequency attached by ClinVar (database versions not stated): gnomAD 0.00001; gnomAD exomes 0.00001 and 0.00002; ExAC 0.00002; TOPMed 0.00002.
gnomAD v4.1: 9 of 1,606,136 alleles (0.00056%); highest among the groups gnomAD compares: Admixed American, 0.01%; no homozygotes.

Submissions (2):

Labcorp Genetics (formerly Invitae), Labcorp
Classification: Likely benign for Familial hypobetalipoproteinemia 1; Hypercholesterolemia, autosomal dominant, type B. Last evaluated: 2024-12-31. Review status: criteria provided, single submitter. Criteria: Invitae Variant Classification Sherloc (09022015). Collection method: clinical testing. Allele origin: germline.

GeneDx
Classification: Likely benign. Last evaluated: 2018-05-02. Review status: criteria provided, single submitter. Criteria: GeneDx Variant Classification (06012015). Collection method: clinical testing. Allele origin: germline. Affected: yes.
Comment: This variant is considered likely benign or benign based on one or more of the following criteria: it is a conservative change, it occurs at a poorly conserved position in the protein, it is predicted to be benign by multiple in silico algorithms, and/or has population frequency not consistent with disease.